The following is an entry in ClinVar:

ClinVar aggregate classification (germline): Likely pathogenic (1 of 4 stars; one submission).

Conditions:
Usher syndrome. Also called: Usher Syndromes; Usher's syndrome. Identifiers: Orphanet 886, MedGen CN469326, MeSH D052245, MONDO:0019501. Disease mechanism: loss of function.

Submission:

Women's Health and Genetics/Laboratory Corporation of America, LabCorp
Classification: Likely pathogenic for Retinitis pigmentosa-deafness syndrome. Last evaluated: 2023-03-09. Review status: criteria provided, single submitter. Criteria: LabCorp Variant Classification Summary - May 2015. Collection method: clinical testing. Allele origin: germline.
Comment: Variant summary: ADGRV1 c.6219_6228dup10 (p.Glu2077CysfsX28) results in a premature termination codon, predicted to cause a truncation of the encoded protein or absence of the protein due to nonsense mediated decay, which are commonly known mechanisms for disease. Truncations downstream of this position have been classified as pathogenic by our laboratory. The variant allele was found at a frequency of 4.1e-06 in 246778 control chromosomes. To our knowledge, no occurrence of c.6219_6228dup10 in individuals affected with Usher Syndrome and no experimental evidence demonstrating its impact on protein function have been reported. No clinical diagnostic laboratories have submitted clinical-significance assessments for this variant to ClinVar after 2014. Based on the evidence outlined above, the variant was classified as likely pathogenic.

NM_032119.4(ADGRV1):c.6219_6228dup (p.Glu2077fs)

Gene: ADGRV1 (adhesion G protein-coupled receptor V1; plus strand). Cytogenetic location: 5q14.3.
Variant type: Duplication.
Coding change: c.6219_6228dup on transcript NM_032119.4 (MANE Select); coding-DNA positions 6219 to 6228, 10 bases duplicated (TGTCTTTATC; older notation c.6219_6228dupTGTCTTTATC).
Protein change: p.Glu2077fs; shifts the reading frame from glutamic acid 2077.
Molecular consequence: frameshift variant. On other transcripts: non-coding transcript variant (1).
Genome position (GRCh38, 1-based): chr5:90,684,140-90,684,149, TGTCTTTATC duplicated; duplicating any 10 consecutive bases within chr5:90,684,137-90,684,149 gives the same sequence; the c. name uses the placement nearest the transcript's 3' end. VCF-style (leftmost placement, unchanged base first): chr5-90684136-A-AATCTGTCTTT. GRCh37 (hg19) VCF-style: chr5-89979953-A-AATCTGTCTTT.
Other names: short protein forms E2077fs.
Identifiers: ClinVar variation 2501268 (VCV002501268.1), dbSNP rs1337798741, ClinGen allele CA561259671.